The following is an entry in ClinVar:

NM_001036.6(RYR3):c.10507C>T (p.Arg3503Cys)

Gene: RYR3 (ryanodine receptor 3; plus strand). Cytogenetic location: 15q14.
Variant type: single nucleotide variant.
Coding change: c.10507C>T on transcript NM_001036.6 (MANE Select); coding-DNA position 10507, C replaced by T.
Protein change: p.Arg3503Cys; replaces arginine 3503 with cysteine.
Molecular consequence: missense variant.
Genome position (GRCh38, 1-based): chr15:33,816,866, C>T. VCF-style: chr15-33816866-C-T. GRCh37 (hg19) VCF-style: chr15-34109067-C-T.
Other names: c.10507C>T (NM_001036.3); c.10492C>T, p.Arg3498Cys (NM_001243996.4); short protein forms R3498C, R3503C.
Identifiers: ClinVar variation 946715 (VCV000946715.10), dbSNP rs367775699, ClinGen allele CA7460866.
Genomic context (GRCh38, chr15:33,816,866, plus strand): 5'-TAAAAGAACAAGTTCCATGGATCCCTCTTGACCTCCCTCTCACCCCTTCCGCTCAGGCAC[C>T]GCTCTATTAACCTCTTCCTCCATGGCTATCAGAGATTTTGGATAGAAACAGAGGAGTATT-3'
Protein context (NP_001027.3, residues 3493-3513): MAPLYNLPRH[Arg3503Cys]SINLFLHGYQ

ClinVar aggregate classification (germline): Uncertain significance. Review status: criteria provided, multiple submitters, no conflicts (2 of 4 stars). 2 submissions from 2 submitters: Uncertain significance (2). Last evaluated 2024-12-21.

Conditions:
Epileptic encephalopathy. Identifiers: MedGen C0543888, HP:0200134.

Allele frequency attached by ClinVar (database versions not stated): TOPMed 0.00002; gnomAD exomes 0.00004 and 0.00005; ExAC 0.00005; gnomAD 0.00005; ESP Exome Variant Server 0.00008.
gnomAD v4.1: 73 of 1,610,070 alleles (0.0045%); highest among the groups gnomAD compares: Admixed American, 0.012%; no homozygotes.

Submissions (2):

Ambry Genetics
Classification: Uncertain significance. Last evaluated: 2024-12-21. Review status: criteria provided, single submitter. Criteria: Ambry Variant Classification Scheme 2023. Collection method: clinical testing. Allele origin: germline.

Labcorp Genetics (formerly Invitae), Labcorp
Classification: Uncertain significance for Epileptic encephalopathy. Last evaluated: 2020-10-01. Review status: criteria provided, single submitter. Criteria: Invitae Variant Classification Sherloc (09022015). Collection method: clinical testing. Allele origin: germline.
Comment: In summary, the available evidence is currently insufficient to determine the role of this variant in disease. Therefore, it has been classified as a Variant of Uncertain Significance. Algorithms developed to predict the effect of missense changes on protein structure and function are either unavailable or do not agree on the potential impact of this missense change (SIFT: "Deleterious"; PolyPhen-2: "Possibly Damaging"; Align-GVGD: "Class C0"). This variant has not been reported in the literature in individuals with RYR3-related conditions. This variant is present in population databases (rs367775699, ExAC 0.01%). This sequence change replaces arginine with cysteine at codon 3503 of the RYR3 protein (p.Arg3503Cys). The arginine residue is highly conserved and there is a large physicochemical difference between arginine and cysteine.